The following is an entry in ClinVar:

ClinVar aggregate classification (germline): Uncertain significance (1 of 4 stars; one submission).

Conditions:
Cardiovascular phenotype. Identifiers: MedGen CN230736.

Allele frequency attached by ClinVar (database versions not stated): TOPMed below 0.00001.

Submission:

Ambry Genetics
Classification: Uncertain significance for Cardiovascular phenotype. Last evaluated: 2021-11-09. Review status: criteria provided, single submitter. Criteria: Ambry Variant Classification Scheme 2023. Collection method: clinical testing. Allele origin: germline.
Comment: The p.P61S variant (also known as c.181C>T), located in coding exon 2 of the TBX1 gene, results from a C to T substitution at nucleotide position 181. The proline at codon 61 is replaced by serine, an amino acid with similar properties. This amino acid position is conserved. In addition, this alteration is predicted to be tolerated by in silico analysis. Since supporting evidence is limited at this time, the clinical significance of this alteration remains unclear.

NM_001379200.1(TBX1):c.208C>T (p.Pro70Ser)

Gene: TBX1 (T-box transcription factor 1; plus strand). Cytogenetic location: 22q11.21.
Variant type: single nucleotide variant.
Coding change: c.208C>T on transcript NM_001379200.1 (MANE Select); coding-DNA position 208, C replaced by T.
Protein change: p.Pro70Ser; replaces proline 70 with serine.
Molecular consequence: missense variant.
Genome position (GRCh38, 1-based): chr22:19,761,051, C>T. VCF-style: chr22-19761051-C-T. GRCh37 (hg19) VCF-style: chr22-19748574-C-T.
Other names: c.181C>T, p.Pro61Ser (NM_005992.1, NM_080646.2, NM_080647.1); short protein forms P61S, P70S.
Identifiers: ClinVar variation 1780735 (VCV001780735.2), dbSNP rs1936642042, ClinGen allele CA410681377.